The following is an entry in ClinVar:

NM_022370.4(ROBO3):c.1510G>A (p.Gly504Ser)

Gene: ROBO3 (roundabout guidance receptor 3; plus strand). Cytogenetic location: 11q24.2.
Variant type: single nucleotide variant.
Coding change: c.1510G>A on transcript NM_022370.4 (MANE Select); coding-DNA position 1510, G replaced by A.
Protein change: p.Gly504Ser; replaces glycine 504 with serine.
Molecular consequence: missense variant.
Genome position (GRCh38, 1-based): chr11:124,873,063, G>A. VCF-style: chr11-124873063-G-A. GRCh37 (hg19) VCF-style: chr11-124742959-G-A.
Other names: short protein forms G504S.
Identifiers: ClinVar variation 4056833 (VCV004056833.1).

ClinVar aggregate classification (germline): Uncertain significance (1 of 4 stars; one submission).

gnomAD v4.1: 57 of 1,613,692 alleles (0.0035%); highest among the groups gnomAD compares: Admixed American, 0.042%; no homozygotes.

Submission:

GeneDx
Classification: Uncertain significance. Last evaluated: 2025-01-13. Review status: criteria provided, single submitter. Criteria: GeneDx Variant Classification Process June 2021. Collection method: clinical testing. Allele origin: germline. Affected: yes.
Comment: Has been observed as de novo in association with unspecified neurodevelopmental disorder in large cohort dataset; de novo variants in other genes were also reported in the patient (PMID: 33057194, 31785789); In silico analysis supports that this missense variant has a deleterious effect on protein structure/function; This variant is associated with the following publications: (PMID: 28135719, 35982159, 33057194, 31785789)